The following is an entry in ClinVar:

NM_016239.4(MYO15A):c.10217-3C>T

Gene: MYO15A (myosin XVA; plus strand). Cytogenetic location: 17p11.2.
Variant type: single nucleotide variant.
Coding change: c.10217-3C>T on transcript NM_016239.4 (MANE Select); 3 bases into the intron before coding-DNA position 10217, C replaced by T.
Molecular consequence: intron variant.
Genome position (GRCh38, 1-based): chr17:18,172,154, C>T. VCF-style: chr17-18172154-C-T. GRCh37 (hg19) VCF-style: chr17-18075468-C-T.
Identifiers: ClinVar variation 164574 (VCV000164574.4), dbSNP rs727503321, ClinGen allele CA177286.
Genomic context (GRCh38, chr17:18,172,154, plus strand): 5'-GGCCATGGCTGTTGTCAGTGAGCCCTGCCCAGCACGTAACTGCCACCCCCTCTCCCTGCC[C>T]AGGCCTCCTCAGCGCCTTACCTATGTTCGGCTCCTCCTTCTTCTTCATCCAGAGCTGCAG-3'

ClinVar aggregate classification (germline): Uncertain significance (1 of 4 stars; one submission).

Allele frequency attached by ClinVar (database versions not stated): gnomAD exomes below 0.00001.
gnomAD v4.1: 4 of 1,614,182 alleles (0.00025%); highest among the groups gnomAD compares: African/African-American, 0.0013%; no homozygotes.

Submission:

Laboratory for Molecular Medicine, Mass General Brigham Personalized Medicine
Classification: Uncertain significance. Last evaluated: 2013-04-29. Review status: criteria provided, single submitter. Criteria: LMM Criteria. Collection method: clinical testing. Allele origin: germline. Observed: 1 variant allele.
Comment: Variant classified as Uncertain Significance - Favor Benign. This variant has not been identified in large population studies. I t is located in the 3' splice region. The nucleotide position affected by the va riant is not highly conserved across species and computational tools do not sugg est an impact to splicing, though this information is not predictive enough to r ule out pathogenicity. In summary, the clinical significance of this variant is uncertain; however, based upon the low nucleotide conservation of the variant an d computational splicing predictions, we would lean towards a more likely benign role.